The following is an entry in ClinVar:

ClinVar aggregate classification (germline): Pathogenic (1 of 4 stars; one submission).

Conditions:
Recessive dystrophic epidermolysis bullosa (RDEB). Also called: DYSTROPHIC EPIDERMOLYSIS BULLOSA, AUTOSOMAL RECESSIVE; EPIDERMOLYSIS BULLOSA DYSTROPHICA, HALLOPEAU-SIEMENS TYPE; Hallopeau-Siemens Disease; severe generalized recessive dystrophic epidermolysis bullosa; EPIDERMOLYSIS BULLOSA DYSTROPHICA, GENERALIZED SEVERE, AUTOSOMAL RECESSIVE; Epidermolysis Bullosa Distrophica Autosomal Recessive (RDEB). Identifiers: Orphanet 79408, Orphanet 79409, MedGen C0079474, MONDO:0009179, OMIM 226600.

Submission:

Myriad Genetics, Inc.
Classification: Pathogenic for Recessive dystrophic epidermolysis bullosa. Last evaluated: 2024-09-18. Review status: criteria provided, single submitter. Criteria: Myriad Autosomal Dominant, Autosomal Recessive and X-Linked Classification Criteria (2023). Collection method: clinical testing. Allele origin: unknown.
Comment: NM_000094.3(COL7A1):c.2933_2934delCA(P978Rfs*61) is expected to be pathogenic in the context of dystrophic epidermolysis bullosa. This variant is predicted to lead to an abnormal or absent protein product due to the creation of a premature termination codon in COL7A1, a gene where loss-of-function variants are known to be pathogenic. Please note: this variant was assessed in the context of healthy population screening.

NM_000094.4(COL7A1):c.2933_2934del (p.Pro978fs)

Gene: COL7A1 (collagen type VII alpha 1 chain; minus strand). Cytogenetic location: 3p21.31.
Variant type: Deletion.
Coding change: c.2933_2934del on transcript NM_000094.4 (MANE Select); coding-DNA positions 2933 to 2934, 2 bases deleted (CA; older notation c.2933_2934delCA).
Protein change: p.Pro978fs; shifts the reading frame from proline 978.
Molecular consequence: frameshift variant.
Genome position (GRCh38, 1-based): chr3:48,587,478-48,587,479, TG deleted on the plus strand (CA on the coding strand, the reverse complement: COL7A1 is on the minus strand). VCF-style (leftmost placement, unchanged base first): chr3-48587477-CTG-C. GRCh37 (hg19) VCF-style: chr3-48624910-CTG-C.
Other names: short protein forms P978fs.
Identifiers: ClinVar variation 5013564 (VCV005013564.1).